The following is an entry in ClinVar:

ClinVar aggregate classification (germline): Pathogenic/Likely pathogenic. Review status: criteria provided, multiple submitters, no conflicts (2 of 4 stars). 3 submissions from 3 submitters: Pathogenic (1); Likely pathogenic (1). 1 of the submissions does not count toward it. Last evaluated 2023-08-29.

Conditions:
Ataxia-telangiectasia syndrome (AT). Also called: Ataxia-telangiectasia, complementation group D; AT, COMPLEMENTATION GROUP C; Ataxia-telangiectasia, complementation group E; LOUIS-BAR SYNDROME; Cerebello-oculocutaneous telangiectasia; Immunodeficiency with ataxia telangiectasia. Identifiers: Orphanet 100, MedGen C0004135, MONDO:0008840, OMIM 208900.
Familial cancer of breast. Also called: hereditary breast carcinoma; BREAST CANCER, FAMILIAL; Hereditary breast cancer. Identifiers: Orphanet 227535, MedGen C0346153, MONDO:0016419, OMIM 114480. Disease mechanism: loss of function.

Submissions (3):

Labcorp Genetics (formerly Invitae), Labcorp
Classification: Pathogenic for Ataxia-telangiectasia syndrome. Last evaluated: 2023-08-29. Review status: criteria provided, single submitter. Criteria: Invitae Variant Classification Sherloc (09022015). Collection method: clinical testing. Allele origin: germline.
Comment: For these reasons, this variant has been classified as Pathogenic. ClinVar contains an entry for this variant (Variation ID: 551735). This variant is also known as c.4098_4099delTG. This premature translational stop signal has been observed in individual(s) with familial pancreatic cancer (PMID: 32255556). This variant is not present in population databases (gnomAD no frequency). This sequence change creates a premature translational stop signal (p.Cys1366*) in the ATM gene. It is expected to result in an absent or disrupted protein product. Loss-of-function variants in ATM are known to be pathogenic (PMID: 23807571, 25614872).

Baylor Genetics
Classification: Likely pathogenic for Familial cancer of breast. Last evaluated: 2023-03-28. Review status: criteria provided, single submitter. Criteria: ACMG Guidelines, 2015. Collection method: clinical testing. Allele origin: unknown.

Counsyl
Classification: Likely pathogenic for Ataxia-telangiectasia syndrome. Last evaluated: 2017-05-05. Review status: no assertion criteria provided. Collection method: clinical testing. Allele origin: unknown. Not counted in ClinVar's aggregate classification.

Literature cited by the submitters: PubMed 32255556 (cited by Labcorp Genetics (formerly Invitae), Labcorp); PubMed 23807571 (cited by Labcorp Genetics (formerly Invitae), Labcorp); PubMed 25614872 (cited by Labcorp Genetics (formerly Invitae), Labcorp).

NM_000051.4(ATM):c.4095_4096del (p.Leu1365_Cys1366insTer)

Gene: ATM (ATM serine/threonine kinase; plus strand). Cytogenetic location: 11q22.3.
Variant type: Microsatellite.
Coding change: c.4095_4096del on transcript NM_000051.4 (MANE Select); coding-DNA positions 4095 to 4096, 2 bases deleted (CT; older notation c.4095_4096delCT).
Protein change: p.Leu1365_Cys1366insTer.
Molecular consequence: frameshift variant.
Genome position (GRCh38, 1-based): chr11:108,287,701-108,287,702, CT deleted; deleting any 2 consecutive bases within chr11:108,287,699-108,287,702 gives the same sequence; the c. name uses the placement nearest the transcript's 3' end. VCF-style (leftmost placement, unchanged base first): chr11-108287698-CCT-C. GRCh37 (hg19) VCF-style: chr11-108158425-CCT-C.
Other names: c.4095_4096delCT (NM_000051.3); c.4095_4096del, p.Leu1365_Cys1366insTer (NM_001351834.2).
Identifiers: ClinVar variation 551735 (VCV000551735.6), dbSNP rs1555096057, ClinGen allele CA658822198.